The following is an entry in ClinVar:

ClinVar aggregate classification (germline): Uncertain significance (1 of 4 stars; one submission).

Conditions:
Muscular dystrophy-dystroglycanopathy (congenital with impaired intellectual development), type B, 14. Also called: Muscular dystrophy-dystroglycanopathy (congenital with intellectual disability), type B14; MUSCULAR DYSTROPHY, CONGENITAL, GMPPB-RELATED; Congenital muscular dystrophy-dystroglycanopathy with mental retardation, type B14. Identifiers: MedGen C3809221, MONDO:0014141, OMIM 615351.
Muscular dystrophy-dystroglycanopathy (congenital with brain and eye anomalies), type A14. Also called: WALKER-WARBURG SYNDROME OR MUSCLE-EYE-BRAIN DISEASE, GMPPB-RELATED; Muscular dystrophy-dystroglycanopathy (congenital with brain and eye anomalies), type a, 14; Congenital Muscular Dystrophy-Dystroglycanopathy with Brain and Eye Anomalies Type A 14; Congenital muscular dystrophy-dystroglycanopathy with brain and eye anomalies, type A14. Identifiers: Orphanet 588, MedGen C3809216, MONDO:0014140, OMIM 615350.
Autosomal recessive limb-girdle muscular dystrophy type 2T. Also called: MUSCULAR DYSTROPHY-DYSTROGLYCANOPATHY, LIMB-GIRDLE, GMPPB-RELATED; MUSCULAR DYSTROPHY, LIMB-GIRDLE, TYPE 2T; Muscular dystrophy-dystroglycanopathy (limb-girdle), type c, 14; Limb-girdle muscular dystrophy-dystroglycanopathy, type C14. Identifiers: Orphanet 363623, MedGen C4518000, MONDO:0014142, OMIM 615352.

Submission:

Labcorp Genetics (formerly Invitae), Labcorp
Classification: Uncertain significance for Autosomal recessive limb-girdle muscular dystrophy type 2T; Muscular dystrophy-dystroglycanopathy (congenital with brain and eye anomalies), type A14; Muscular dystrophy-dystroglycanopathy (congenital with impaired intellectual development), type B, 14. Last evaluated: 2022-09-27. Review status: criteria provided, single submitter. Criteria: Invitae Variant Classification Sherloc (09022015). Collection method: clinical testing. Allele origin: germline.
Comment: This sequence change replaces serine, which is neutral and polar, with tyrosine, which is neutral and polar, at codon 168 of the GMPPB protein (p.Ser168Tyr). In summary, the available evidence is currently insufficient to determine the role of this variant in disease. Therefore, it has been classified as a Variant of Uncertain Significance. Advanced modeling of protein sequence and biophysical properties (such as structural, functional, and spatial information, amino acid conservation, physicochemical variation, residue mobility, and thermodynamic stability) performed at Invitae indicates that this missense variant is expected to disrupt GMPPB protein function. This variant has not been reported in the literature in individuals affected with GMPPB-related conditions. This variant is not present in population databases (gnomAD no frequency).

NM_021971.4(GMPPB):c.503C>A (p.Ser168Tyr)

Gene: GMPPB (GDP-mannose pyrophosphorylase B; minus strand). Cytogenetic location: 3p21.31.
Variant type: single nucleotide variant.
Coding change: c.503C>A on transcript NM_021971.4 (MANE Select); coding-DNA position 503, C replaced by A.
Protein change: p.Ser168Tyr; replaces serine 168 with tyrosine.
Molecular consequence: missense variant.
Genome position (GRCh38, 1-based): chr3:49,722,654, G>T on the plus strand (C>A on the coding strand, the complement: GMPPB is on the minus strand). VCF-style: chr3-49722654-G-T. GRCh37 (hg19) VCF-style: chr3-49760087-G-T.
Other names: c.503C>A, p.Ser168Tyr (NM_013334.4); short protein forms S168Y.
Identifiers: ClinVar variation 2064081 (VCV002064081.4), dbSNP rs2544754545, ClinGen allele CA352828663.